The following is an entry in ClinVar:

ClinVar aggregate classification (germline): Uncertain significance. Review status: criteria provided, multiple submitters, no conflicts (2 of 4 stars). 3 submissions from 3 submitters: Uncertain significance (3). Last evaluated 2025-11-05.

gnomAD v4.1: 229 of 1,614,032 alleles (0.014%); highest among the groups gnomAD compares: Non-Finnish European, 0.019%; no homozygotes.

Submissions (3):

Labcorp Genetics (formerly Invitae), Labcorp
Classification: Uncertain significance. Last evaluated: 2025-11-05. Review status: criteria provided, single submitter. Criteria: Invitae Variant Classification Sherloc (09022015). Collection method: clinical testing. Allele origin: germline.
Comment: This sequence change replaces aspartic acid, which is acidic and polar, with tyrosine, which is neutral and polar, at codon 286 of the PHYH protein (p.Asp286Tyr). This variant is present in population databases (rs538686726, gnomAD 0.009%). This variant has not been reported in the literature in individuals affected with PHYH-related conditions. ClinVar contains an entry for this variant (Variation ID: 1419406). Invitae Evidence Modeling of protein sequence and biophysical properties (such as structural, functional, and spatial information, amino acid conservation, physicochemical variation, residue mobility, and thermodynamic stability) indicates that this missense variant is not expected to disrupt PHYH protein function with a negative predictive value of 80%. In summary, the available evidence is currently insufficient to determine the role of this variant in disease. Therefore, it has been classified as a Variant of Uncertain Significance.

GeneDx
Classification: Uncertain significance. Last evaluated: 2024-06-17. Review status: criteria provided, single submitter. Criteria: GeneDx Variant Classification Process June 2021. Collection method: clinical testing. Allele origin: germline. Affected: yes.
Comment: Not observed at significant frequency in large population cohorts (gnomAD); In silico analysis supports that this missense variant has a deleterious effect on protein structure/function; Has not been previously published as pathogenic or benign to our knowledge

Blueprint Genetics
Classification: Uncertain significance. Last evaluated: 2020-12-12. Review status: criteria provided, single submitter. Criteria: ACMG Guidelines, 2015. Collection method: clinical testing. Allele origin: germline.

NM_006214.4(PHYH):c.856G>T (p.Asp286Tyr)

Gene: PHYH (phytanoyl-CoA 2-hydroxylase; minus strand). Cytogenetic location: 10p13.
Variant type: single nucleotide variant.
Coding change: c.856G>T on transcript NM_006214.4 (MANE Select); coding-DNA position 856, G replaced by T.
Protein change: p.Asp286Tyr; replaces aspartic acid 286 with tyrosine.
Molecular consequence: missense variant.
Genome position (GRCh38, 1-based): chr10:13,281,083, C>A on the plus strand (G>T on the coding strand, the complement: PHYH is on the minus strand). VCF-style: chr10-13281083-C-A. GRCh37 (hg19) VCF-style: chr10-13323083-C-A.
Other names: c.856G>T (NM_006214.3); c.556G>T, p.Asp186Tyr (NM_001037537.2, NM_001323080.2); c.862G>T, p.Asp288Tyr (NM_001323082.2); c.592G>T, p.Asp198Tyr (NM_001323083.2); c.562G>T, p.Asp188Tyr (NM_001323084.2); short protein forms D186Y, D188Y, D198Y, D288Y, D286Y.
Identifiers: ClinVar variation 1419406 (VCV001419406.9), dbSNP rs538686726, ClinGen allele CA5412217.